The following is an entry in ClinVar:

ClinVar aggregate classification (germline): Uncertain significance (1 of 4 stars; one submission).

Submission:

GeneDx
Classification: Uncertain significance. Last evaluated: 2026-10-06. Review status: criteria provided, single submitter. Criteria: GeneDx Variant Classification Process June 2021. Collection method: clinical testing. Allele origin: germline.
Comment: Not observed at significant frequency in large population cohorts (gnomAD); In silico analysis suggests that this missense variant does not alter protein structure/function; Has not been previously published as pathogenic or benign to our knowledge; Occurs in the triple helical domain within an interruption of the canonical Gly-X-Y repeat

NM_000092.5(COL4A4):c.797G>A (p.Cys266Tyr)

Gene: COL4A4 (collagen type IV alpha 4 chain; minus strand). Cytogenetic location: 2q36.3.
Variant type: single nucleotide variant.
Coding change: c.797G>A on transcript NM_000092.5 (MANE Select); coding-DNA position 797, G replaced by A.
Protein change: p.Cys266Tyr; replaces cysteine 266 with tyrosine.
Molecular consequence: missense variant.
Genome position (GRCh38, 1-based): chr2:227,103,991, C>T on the plus strand (G>A on the coding strand, the complement: COL4A4 is on the minus strand). VCF-style: chr2-227103991-C-T. GRCh37 (hg19) VCF-style: chr2-227968707-C-T.
Other names: short protein forms C266Y.
Identifiers: ClinVar variation 3364129 (VCV003364129.2).